The following is an entry in ClinVar:

ClinVar aggregate classification (germline): Uncertain significance (1 of 4 stars; one submission).

gnomAD v4.1: 1 of 1,614,042 alleles (0.000062%); highest among the groups gnomAD compares: Middle Eastern, 0.017%; no homozygotes.

Submission:

Labcorp Genetics (formerly Invitae), Labcorp
Classification: Uncertain significance. Last evaluated: 2024-10-22. Review status: criteria provided, single submitter. Criteria: Invitae Variant Classification Sherloc (09022015). Collection method: clinical testing. Allele origin: germline.
Comment: This sequence change replaces serine, which is neutral and polar, with alanine, which is neutral and non-polar, at codon 2859 of the COL7A1 protein (p.Ser2859Ala). This variant is not present in population databases (gnomAD no frequency). This variant has not been reported in the literature in individuals affected with COL7A1-related conditions. Invitae Evidence Modeling of protein sequence and biophysical properties (such as structural, functional, and spatial information, amino acid conservation, physicochemical variation, residue mobility, and thermodynamic stability) indicates that this missense variant is not expected to disrupt COL7A1 protein function with a negative predictive value of 95%. In summary, the available evidence is currently insufficient to determine the role of this variant in disease. Therefore, it has been classified as a Variant of Uncertain Significance.

NM_000094.4(COL7A1):c.8575T>G (p.Ser2859Ala)

Gene: COL7A1 (collagen type VII alpha 1 chain; minus strand). Cytogenetic location: 3p21.31.
Variant type: single nucleotide variant.
Coding change: c.8575T>G on transcript NM_000094.4 (MANE Select); coding-DNA position 8575, T replaced by G.
Protein change: p.Ser2859Ala; replaces serine 2859 with alanine.
Molecular consequence: missense variant.
Genome position (GRCh38, 1-based): chr3:48,565,154, A>C on the plus strand (T>G on the coding strand, the complement: COL7A1 is on the minus strand). VCF-style: chr3-48565154-A-C. GRCh37 (hg19) VCF-style: chr3-48602587-A-C.
Other names: short protein forms S2859A.
Identifiers: ClinVar variation 2855504 (VCV002855504.3), dbSNP rs1378736652, ClinGen allele CA352634034.